The following is an entry in ClinVar:

ClinVar aggregate classification (germline): Pathogenic (1 of 4 stars; one submission).

Conditions:
Malignant tumor of breast. Also called: Malignant breast neoplasm; Cancer breast. Identifiers: MedGen C0006142, MONDO:0007254. Disease mechanism: loss of function.

Submission:

Women's Health and Genetics/Laboratory Corporation of America, LabCorp
Classification: Pathogenic for Malignant tumor of breast. Last evaluated: 2026-03-12. Review status: criteria provided, single submitter. Criteria: LabCorp Variant Classification Summary - May 2015. Collection method: clinical testing. Allele origin: germline.
Comment: Variant summary: The variant involves the deletion of exons 2-63 in the ATM gene. A presumed nomenclature of c.(-31+1_-30-1)_(*3595_?)del has been designated for the purposes of this classification. This deletion includes the entire coding sequence of the gene. As the exact proximal and distal breakpoints are unknown, it may extend beyond the annotated region of the gene to include other flanking genes. Loss-of-function variants in this gene are known to be pathogenic. The variant was absent in 21694 control chromosomes. c.(-31+1_-30-1)_(*3595_?)del has been observed in individual(s) affected with breast or ovarian cancer (e.g. Espinel_2022). To our knowledge, no experimental evidence demonstrating an impact on protein function has been reported. The following publication has been ascertained in the context of this evaluation (PMID: 35626031). ClinVar contains an entry for a similar variant (Variation ID: 831586). Based on the evidence outlined above, the variant was classified as pathogenic for ATM-related cancers and Ataxia-telangiectasia syndrome.

Literature cited by the submitters: PubMed 35626031.

NC_000011.9:g.(108093914_108098321)_(108239830_?)del

Gene: ATM (ATM serine/threonine kinase; plus strand). Cytogenetic location: 11q22.3.
Variant type: Deletion.
Identifiers: ClinVar variation 4847283 (VCV004847283.1).